The following is an entry in ClinVar:

NM_007327.4(GRIN1):c.2420C>G (p.Thr807Ser)

Gene: GRIN1 (glutamate ionotropic receptor NMDA type subunit 1; plus strand). Cytogenetic location: 9q34.3.
Variant type: single nucleotide variant.
Coding change: c.2420C>G on transcript NM_007327.4 (MANE Select); coding-DNA position 2420, C replaced by G.
Protein change: p.Thr807Ser; replaces threonine 807 with serine.
Molecular consequence: missense variant.
Genome position (GRCh38, 1-based): chr9:137,163,645, C>G. VCF-style: chr9-137163645-C-G. GRCh37 (hg19) VCF-style: chr9-140058097-C-G.
Other names: c.2420C>G, p.Thr807Ser (NM_000832.7, NM_021569.4); c.2483C>G, p.Thr828Ser (NM_001185090.2, NM_001185091.2, NM_001437330.1 and 1 more transcripts); short protein forms T807S, T828S.
Identifiers: ClinVar variation 4539911 (VCV004539911.2).

ClinVar aggregate classification (germline): Pathogenic (1 of 4 stars; one submission).

Submission:

GeneDx
Classification: Pathogenic. Last evaluated: 2026-04-06. Review status: criteria provided, single submitter. Criteria: GeneDx Variant Classification Process June 2021. Collection method: clinical testing. Allele origin: germline.
Comment: Not observed at significant frequency in large population cohorts (gnomAD); In silico analysis supports that this missense variant has a deleterious effect on protein structure/function; Has not been previously published as pathogenic or benign to our knowledge